The following is an entry in ClinVar:

ClinVar aggregate classification (germline): Conflicting classifications of pathogenicity. Review status: criteria provided, conflicting classifications (1 of 4 stars). 3 submissions from 3 submitters: Uncertain significance (1); Likely benign (2). Last evaluated 2023-03-01.

Conditions:
Cone-rod dystrophy 5 (CORD5). Identifiers: Orphanet 1872, MedGen C1832976, MONDO:0010969, OMIM 600977.

Allele frequency attached by ClinVar (database versions not stated): gnomAD 0.00001; gnomAD exomes 0.00001 and 0.00003; ExAC 0.00002; TOPMed 0.00002; 1000 Genomes Project 0.00020; 1000 Genomes Project 30x 0.00031.
gnomAD v4.1: 18 of 1,612,594 alleles (0.0011%); highest among the groups gnomAD compares: East Asian, 0.0089%; no homozygotes.

Submissions (3):

CeGaT Center for Human Genetics Tuebingen
Classification: Likely benign. Last evaluated: 2023-03-01. Review status: criteria provided, single submitter. Criteria: CeGaT Center For Human Genetics Tuebingen Variant Classification Criteria Version 2. Collection method: clinical testing. Allele origin: germline. Affected: yes. Observed: 1 variant allele.
Comment: PITPNM3: BP4, BP7

Labcorp Genetics (formerly Invitae), Labcorp
Classification: Likely benign. Last evaluated: 2019-09-25. Review status: criteria provided, single submitter. Criteria: Invitae Variant Classification Sherloc (09022015). Collection method: clinical testing. Allele origin: germline.

Illumina Laboratory Services, Illumina
Classification: Uncertain significance for Cone-rod dystrophy 5. Last evaluated: 2018-01-13. Review status: criteria provided, single submitter. Criteria: ICSL Variant Classification Criteria 13 December 2019. Collection method: clinical testing. Allele origin: germline.

NM_031220.4(PITPNM3):c.1608C>T (p.Pro536=)

Gene: PITPNM3 (PITPNM family member 3; minus strand). Cytogenetic location: 17p13.2.
Variant type: single nucleotide variant.
Coding change: c.1608C>T on transcript NM_031220.4 (MANE Select); coding-DNA position 1608, C replaced by T.
Protein change: p.Pro536=; no amino-acid change (proline 536 retained).
Molecular consequence: synonymous variant.
Genome position (GRCh38, 1-based): chr17:6,471,177, G>A on the plus strand (C>T on the coding strand, the complement: PITPNM3 is on the minus strand). VCF-style: chr17-6471177-G-A. GRCh37 (hg19) VCF-style: chr17-6374497-G-A.
Other names: c.1500C>T, p.Pro500= (NM_001165966.2).
Identifiers: ClinVar variation 891165 (VCV000891165.36), dbSNP rs186009079, ClinGen allele CA8329463.